The following is an entry in ClinVar:

NM_001330700.2(TOP2B):c.3593A>G (p.Lys1198Arg)

Gene: TOP2B (DNA topoisomerase II beta; minus strand). Cytogenetic location: 3p24.2.
Variant type: single nucleotide variant.
Coding change: c.3593A>G on transcript NM_001330700.2 (MANE Select); coding-DNA position 3593, A replaced by G.
Protein change: p.Lys1198Arg; replaces lysine 1198 with arginine.
Molecular consequence: missense variant.
Genome position (GRCh38, 1-based): chr3:25,612,708, T>C on the plus strand (A>G on the coding strand, the complement: TOP2B is on the minus strand). VCF-style: chr3-25612708-T-C. GRCh37 (hg19) VCF-style: chr3-25654199-T-C.
Other names: c.3578A>G (NM_001068.2); c.3578A>G, p.Lys1193Arg (NM_001068.3); short protein forms K1198R, K1193R.
Identifiers: ClinVar variation 1960896 (VCV001960896.6), dbSNP rs767831760, ClinGen allele CA2288259.
Genomic context (GRCh38, chr3:25,612,708, plus strand): 5'-CCTTTAATTGCTTTTCCAGACATTCCAGCCAGAACATCTTCTCGTTCTTGAGATTCCACT[T>C]TCTAAAGTATAATCATAAGGCAGAAGGAACATAAACAACTTCTTAGAAAAGATAATCACT-3'
Protein context (NP_001317629.1, residues 1188-1208): DLAAFVEELD[Lys1198Arg]VESQEREDVL

ClinVar aggregate classification (germline): Uncertain significance. Review status: criteria provided, multiple submitters, no conflicts (2 of 4 stars). 2 submissions from 2 submitters: Uncertain significance (2). Last evaluated 2025-04-12.

Allele frequency attached by ClinVar (database versions not stated): ExAC 0.00002; gnomAD exomes 0.00002.
gnomAD v4.1: 34 of 1,612,666 alleles (0.0021%); highest among the groups gnomAD compares: Non-Finnish European, 0.0029%; no homozygotes.

Submissions (2):

Ambry Genetics
Classification: Uncertain significance. Last evaluated: 2025-04-12. Review status: criteria provided, single submitter. Criteria: Ambry Variant Classification Scheme 2023. Collection method: clinical testing. Allele origin: germline.

Labcorp Genetics (formerly Invitae), Labcorp
Classification: Uncertain significance. Last evaluated: 2022-08-24. Review status: criteria provided, single submitter. Criteria: Invitae Variant Classification Sherloc (09022015). Collection method: clinical testing. Allele origin: germline.
Comment: This sequence change replaces lysine, which is basic and polar, with arginine, which is basic and polar, at codon 1193 of the TOP2B protein (p.Lys1193Arg). In summary, the available evidence is currently insufficient to determine the role of this variant in disease. Therefore, it has been classified as a Variant of Uncertain Significance. Algorithms developed to predict the effect of missense changes on protein structure and function output the following: SIFT: "Tolerated"; PolyPhen-2: "Benign"; Align-GVGD: "Class C0". The arginine amino acid residue is found in multiple mammalian species, which suggests that this missense change does not adversely affect protein function. This variant has not been reported in the literature in individuals affected with TOP2B-related conditions. This variant is present in population databases (rs767831760, gnomAD 0.002%).